The following is an entry in ClinVar:

ClinVar aggregate classification (germline): Uncertain significance (1 of 4 stars; one submission).

Conditions:
Hereditary cancer-predisposing syndrome. Also called: Tumor predisposition; Neoplastic Syndromes, Hereditary; Hereditary Cancer Syndrome; Hereditary neoplastic syndrome. Identifiers: Orphanet 140162, MedGen C0027672, MeSH D009386, MONDO:0015356.

Submission:

Ambry Genetics
Classification: Uncertain significance for Hereditary cancer-predisposing syndrome. Last evaluated: 2024-11-18. Review status: criteria provided, single submitter. Criteria: Ambry Variant Classification Scheme 2023. Collection method: clinical testing. Allele origin: germline.
Comment: The p.R297H variant (also known as c.890G>A) is located in coding exon 8 of the EGFR gene. The arginine at codon 297 is replaced by histidine, an amino acid with highly similar properties. This change occurs in the first base pair of coding exon 8. This amino acid position is conserved. In addition, this alteration is predicted to be tolerated by in silico analysis. Based on the available evidence, the clinical significance of this variant remains unclear.

NM_005228.5(EGFR):c.890G>A (p.Arg297His)

Gene: EGFR (epidermal growth factor receptor; plus strand). Cytogenetic location: 7p11.2.
Variant type: single nucleotide variant.
Coding change: c.890G>A on transcript NM_005228.5 (MANE Select); coding-DNA position 890, G replaced by A.
Protein change: p.Arg297His; replaces arginine 297 with histidine.
Molecular consequence: missense variant.
Genome position (GRCh38, 1-based): chr7:55,155,830, G>A. VCF-style: chr7-55155830-G-A. GRCh37 (hg19) VCF-style: chr7-55223523-G-A.
Other names: c.755G>A, p.Arg252His (NM_001346897.2, NM_001346899.2); c.890G>A, p.Arg297His (NM_001346898.2, NM_201282.2, NM_201283.2 and 1 more transcripts); c.731G>A, p.Arg244His (NM_001346900.2); c.89G>A, p.Gly30Asp (NM_001346941.2); short protein forms R244H, R297H, G30D, R252H.
Identifiers: ClinVar variation 3507161 (VCV003507161.1).